The following is an entry in ClinVar:

NM_000733.4(CD3E):c.567+65_567+66del

Gene: CD3E (CD3 epsilon subunit of T-cell receptor complex; plus strand). Cytogenetic location: 11q23.3.
Variant type: Deletion.
Coding change: c.567+65_567+66del on transcript NM_000733.4 (MANE Select); bases 65 to 66 of the intron after coding-DNA position 567, 2 bases deleted (GA; older notation c.567+65_567+66delGA).
Molecular consequence: intron variant.
Genome position (GRCh38, 1-based): chr11:118,314,559-118,314,560, GA deleted; deleting any 2 consecutive bases within chr11:118,314,558-118,314,560 gives the same sequence; the c. name uses the placement nearest the transcript's 3' end. VCF-style (leftmost placement, unchanged base first): chr11-118314557-CAG-C. GRCh37 (hg19) VCF-style: chr11-118185272-CAG-C.
Other names: c.567+65delGA (NM_000733.3).
Identifiers: ClinVar variation 35808 (VCV000035808.3), dbSNP rs386134229, ClinGen allele CA213615.
Genomic context (GRCh38, chr11:118,314,557, plus strand): 5'-AACGTGGGATAGAAATGGGCCAGGACGCTGGAGGGGATGTCCCTCCAGGGGGGAAGGAAA[CAG>C]ATGGGATGGCCCATCTTGTCTGCCAGATGCCTCAAAGCCCCTCACTCAGGGCTTCCATTA-3'

ClinVar aggregate classification (germline): Uncertain significance (1 of 4 stars; one submission).

Conditions:
Severe combined immunodeficiency disease. Also called: Severe combined immunodeficiency; Severe Combined Immune Deficiency. Identifiers: Orphanet 183660, MedGen C0085110, MeSH D016511, MONDO:0015974, HP:0004430. Inheritance: X-Linked or Autosomal recessive.

Submission:

Women's Health and Genetics/Laboratory Corporation of America, LabCorp
Classification: Uncertain significance for SCID. Last evaluated: 2011-08-18. Review status: criteria provided, single submitter. Criteria: LabCorp Variant Classification Summary - May 2015. Collection method: curation. Allele origin: germline. Inheritance: autosomal unknown. Affected: yes.
ClinVar note: Converted during submission from uncertain to Uncertain significance.